The following is an entry in ClinVar:

ClinVar aggregate classification (germline): Pathogenic (1 of 4 stars; one submission).

Submission:

GeneDx
Classification: Pathogenic. Last evaluated: 2016-01-05. Review status: criteria provided, single submitter. Criteria: GeneDx Variant Classification (06012015). Collection method: clinical testing. Allele origin: germline. Affected: yes.
Comment: The c.1235delT pathogenic variant in the ADNP gene has not been reported previously as a pathogenic variant nor as a benign variant, to our knowledge. This variant causes a frameshift starting with codon Leucine-412, changes this amino acid to a Proline residue, and creates a premature Stop codon at position 10 of the new reading frame, denoted p.Leu412ProfsX10. This variant is predicted to cause loss of normal protein function through protein truncation. The c.1235delT variant was not observed in approximately 6500 individuals of European and African American ancestry in the NHLBI Exome Sequencing Project, indicating it is not a common benign variant in these populations. We interpret c.1235delT as a pathogenic variant.

NM_001282531.3(ADNP):c.1235del (p.Leu412fs)

Gene: ADNP (activity dependent neuroprotector homeobox; minus strand). Cytogenetic location: 20q13.13.
Variant type: Deletion.
Coding change: c.1235del on transcript NM_001282531.3 (MANE Select); coding-DNA position 1235, one base deleted (T; older notation c.1235delT).
Protein change: p.Leu412fs; shifts the reading frame from leucine 412.
Molecular consequence: frameshift variant.
Genome position (GRCh38, 1-based): chr20:50,893,479, A deleted on the plus strand (T on the coding strand, the reverse complement: ADNP is on the minus strand). VCF-style (leftmost placement, unchanged base first): chr20-50893478-GA-G. GRCh37 (hg19) VCF-style: chr20-49510015-GA-G.
Other names: c.1235del, p.Leu412fs (NM_001282532.2, NM_001347511.2, NM_015339.5 and 1 more transcripts); short protein forms L412fs.
Identifiers: ClinVar variation 280199 (VCV000280199.2), dbSNP rs886041449, ClinGen allele CA10603538.